The following is an entry in ClinVar:

ClinVar aggregate classification (germline): Benign/Likely benign. Review status: criteria provided, multiple submitters, no conflicts (2 of 4 stars). 6 submissions from 6 submitters: Benign (2); Likely benign (4). Last evaluated 2026-06-01.

Conditions:
Pheochromocytoma/paraganglioma syndrome 5. Also called: Paragangliomas 5; SDHA-Related Hereditary Paraganglioma-Pheochromocytoma Syndrome. Identifiers: Orphanet 29072, MedGen C3279992, MONDO:0013602, OMIM 614165.
Mitochondrial complex II deficiency, nuclear type 1. Also called: SUCCINATE CoQ REDUCTASE DEFICIENCY. Identifiers: Orphanet 3208, MedGen C5700310, MONDO:0100294, OMIM 252011.
Hereditary cancer-predisposing syndrome. Also called: Tumor predisposition; Hereditary Cancer Syndrome; Hereditary neoplastic syndrome; Neoplastic Syndromes, Hereditary. Identifiers: Orphanet 140162, MedGen C0027672, MeSH D009386, MONDO:0015356.

Allele frequency attached by ClinVar (database versions not stated): gnomAD 0.00003; TOPMed 0.00004.
gnomAD v4.1: 108 of 1,611,996 alleles (0.0067%); highest among the groups gnomAD compares: Middle Eastern, 0.033%; no homozygotes.

Submissions (6):

CeGaT Center for Human Genetics Tuebingen
Classification: Likely benign. Last evaluated: 2026-06-01. Review status: criteria provided, single submitter. Criteria: CeGaT Center For Human Genetics Tuebingen Variant Classification Criteria Version 2. Collection method: clinical testing. Allele origin: germline. Affected: yes. Observed: 3 variant alleles.
Comment: SDHA: BP4, BP7

Labcorp Genetics (formerly Invitae), Labcorp
Classification: Likely benign for Pheochromocytoma/paraganglioma syndrome 5; Mitochondrial complex II deficiency, nuclear type 1. Last evaluated: 2025-12-22. Review status: criteria provided, single submitter. Criteria: Invitae Variant Classification Sherloc (09022015). Collection method: clinical testing. Allele origin: germline.

Myriad Genetics, Inc.
Classification: Benign for Pheochromocytoma/paraganglioma syndrome 5. Last evaluated: 2025-03-10. Review status: criteria provided, single submitter. Criteria: Myriad Autosomal Dominant, Autosomal Recessive and X-Linked Classification Criteria (2023). Collection method: clinical testing. Allele origin: unknown.
Comment: This variant is considered benign. This variant is a silent/synonymous amino acid change and it is not expected to impact splicing.

Blueprint Genetics
Classification: Likely benign. Last evaluated: 2024-07-29. Review status: criteria provided, single submitter. Criteria: ACMG Guidelines, 2015. Collection method: clinical testing. Allele origin: germline.

Quest Diagnostics Nichols Institute San Juan Capistrano
Classification: Benign. Last evaluated: 2022-11-23. Review status: criteria provided, single submitter. Criteria: Quest Diagnostics criteria. Collection method: clinical testing. Allele origin: unknown.

Ambry Genetics
Classification: Likely benign for Hereditary cancer-predisposing syndrome. Last evaluated: 2019-02-26. Review status: criteria provided, single submitter. Criteria: Ambry Variant Classification Scheme 2023. Collection method: clinical testing. Allele origin: germline.

NM_004168.4(SDHA):c.1335G>A (p.Ser445=)

Gene: SDHA (succinate dehydrogenase complex flavoprotein subunit A; plus strand). Cytogenetic location: 5p15.33.
Variant type: single nucleotide variant.
Coding change: c.1335G>A on transcript NM_004168.4 (MANE Select); coding-DNA position 1335, G replaced by A.
Protein change: p.Ser445=; no amino-acid change (serine 445 retained).
Molecular consequence: synonymous variant.
Genome position (GRCh38, 1-based): chr5:236,502, G>A. VCF-style: chr5-236502-G-A. GRCh37 (hg19) VCF-style: chr5-236617-G-A.
Other names: c.1191G>A, p.Ser397= (NM_001294332.2); c.1335G>A, p.Ser445= (NM_001330758.2).
Identifiers: ClinVar variation 580330 (VCV000580330.37), dbSNP rs200223188, ClinGen allele CA3173196.